The following is an entry in ClinVar:

ClinVar aggregate classification (germline): Likely benign (0 of 4 stars; one submission).

Conditions:
AKR1C4-related disorder. Also called: AKR1C4-related condition.

Submission:

PreventionGenetics, part of Exact Sciences
Classification: Likely benign for AKR1C4-related condition. Last evaluated: 2022-05-03. Review status: no assertion criteria provided. Collection method: clinical testing. Allele origin: germline.
Comment: This variant is classified as likely benign based on ACMG/AMP sequence variant interpretation guidelines (Richards et al. 2015 PMID: 25741868, with internal and published modifications).

NM_001818.5(AKR1C4):c.774C>T (p.Arg258=)

Gene: AKR1C4 (aldo-keto reductase family 1 member C4; plus strand). Cytogenetic location: 10p15.1.
Variant type: single nucleotide variant.
Coding change: c.774C>T on transcript NM_001818.5 (MANE Select); coding-DNA position 774, C replaced by T.
Protein change: p.Arg258=; no amino-acid change (arginine 258 retained).
Molecular consequence: synonymous variant.
Genome position (GRCh38, 1-based): chr10:5,213,087, C>T. VCF-style: chr10-5213087-C-T. GRCh37 (hg19) VCF-style: chr10-5255050-C-T.
Identifiers: ClinVar variation 3054357 (VCV003054357.2), dbSNP rs2491061753, ClinGen allele CA467995997.